The following is an entry in ClinVar:

NM_001009944.3(PKD1):c.11849T>C (p.Leu3950Pro)

Gene: PKD1 (polycystin 1, transient receptor potential channel interacting; minus strand). Cytogenetic location: 16p13.3.
Variant type: single nucleotide variant.
Coding change: c.11849T>C on transcript NM_001009944.3 (MANE Select); coding-DNA position 11849, T replaced by C.
Protein change: p.Leu3950Pro; replaces leucine 3950 with proline.
Molecular consequence: missense variant.
Genome position (GRCh38, 1-based): chr16:2,091,038, A>G on the plus strand (T>C on the coding strand, the complement: PKD1 is on the minus strand). VCF-style: chr16-2091038-A-G. GRCh37 (hg19) VCF-style: chr16-2141039-A-G.
Other names: c.11846T>C, p.Leu3949Pro (NM_000296.4); short protein forms L3949P, L3950P.
Identifiers: ClinVar variation 4687413 (VCV004687413.1).

ClinVar aggregate classification (germline): Uncertain significance (1 of 4 stars; one submission).

Submission:

Women's Health and Genetics/Laboratory Corporation of America, LabCorp
Classification: Uncertain significance. Last evaluated: 2025-10-09. Review status: criteria provided, single submitter. Criteria: LabCorp Variant Classification Summary - May 2015. Collection method: clinical testing. Allele origin: germline.
Comment: Variant summary: PKD1 c.11849T>C (p.Leu3950Pro) results in a non-conservative amino acid change in the encoded protein sequence. Algorithms developed to predict the effect of missense changes on protein structure and function are either unavailable or do not agree on the potential impact of this missense change. The variant was absent in 126040 control chromosomes (gnomAD). The available data on variant occurrences in the general population are insufficient to allow any conclusion about variant significance. c.11849T>C has been observed in one individual affected with Autosomal dominant polycystic kidney disease (Kim_2019). The report does not provide unequivocal conclusions about association of the variant with PKD1-Biallelic Autosomal Recessive Polycystic Kidney Disease. To our knowledge, no experimental evidence demonstrating an impact on protein function has been reported. The following publication have been ascertained in the context of this evaluation (PMID: 31740684). No submitters have cited clinical-significance assessments for this variant to ClinVar. Based on the evidence outlined above, the variant was classified as uncertain significance.

Literature cited by the submitters: PubMed 31740684.